The following is an entry in ClinVar:

NM_001372044.2(SHANK3):c.1353T>C (p.Asp451=)

Gene: SHANK3 (SH3 and multiple ankyrin repeat domains 3; plus strand). Cytogenetic location: 22q13.33.
Variant type: single nucleotide variant.
Coding change: c.1353T>C on transcript NM_001372044.2 (MANE Select); coding-DNA position 1353, T replaced by C.
Protein change: p.Asp451=; no amino-acid change (aspartic acid 451 retained).
Molecular consequence: synonymous variant.
Genome position (GRCh38, 1-based): chr22:50,694,872, T>C. VCF-style: chr22-50694872-T-C. GRCh37 (hg19) VCF-style: chr22-51133300-T-C.
Other names: NM_001080420.1:c.1128T>C; c.1128T>C (NM_033517.1).
Identifiers: ClinVar variation 1336458 (VCV001336458.6), dbSNP rs1196417230, ClinGen allele CA515252403.

ClinVar aggregate classification (germline): Likely benign. Review status: criteria provided, multiple submitters, no conflicts (2 of 4 stars). 3 submissions from 3 submitters: Likely benign (2). 1 of the submissions does not count toward it. Last evaluated 2024-11-04.

Conditions:
SHANK3-related disorder. Also called: SHANK3-related condition.

Allele frequency attached by ClinVar (database versions not stated): gnomAD exomes below 0.00001.

Submissions (3):

Blueprint Genetics
Classification: Likely benign. Last evaluated: 2024-11-04. Review status: criteria provided, single submitter. Criteria: ACMG Guidelines, 2015. Collection method: clinical testing. Allele origin: germline.

Genetic Services Laboratory, University of Chicago
Classification: Likely benign. Last evaluated: 2017-12-29. Review status: criteria provided, single submitter. Criteria: ACMG Guidelines, 2015. Collection method: clinical testing. Allele origin: germline. Affected: no.

PreventionGenetics, part of Exact Sciences
Classification: Likely benign for SHANK3-related condition. Last evaluated: 2024-06-06. Review status: no assertion criteria provided. Collection method: clinical testing. Allele origin: germline. Not counted in ClinVar's aggregate classification.
Comment: This variant is classified as likely benign based on ACMG/AMP sequence variant interpretation guidelines (Richards et al. 2015 PMID: 25741868, with internal and published modifications).